The following is an entry in ClinVar:

NM_001282684.2(KCTD17):c.346A>C (p.Ile116Leu)

Gene: KCTD17 (potassium channel tetramerization domain containing 17; plus strand). Cytogenetic location: 22q12.3.
Variant type: single nucleotide variant.
Coding change: c.346A>C on transcript NM_001282684.2 (MANE Select); coding-DNA position 346, A replaced by C.
Protein change: p.Ile116Leu; replaces isoleucine 116 with leucine.
Molecular consequence: missense variant.
Genome position (GRCh38, 1-based): chr22:37,056,367, A>C. VCF-style: chr22-37056367-A-C. GRCh37 (hg19) VCF-style: chr22-37452407-A-C.
Other names: c.346A>C, p.Ile116Leu (NM_001282685.2, NM_001282686.2, NM_024681.4); short protein forms I116L.
Identifiers: ClinVar variation 2062678 (VCV002062678.4), dbSNP rs781117547, ClinGen allele CA10215000.
Genomic context (GRCh38, chr22:37,056,367, plus strand): 5'-CTGTCTGTGCCAGGGGTCCTGGAGGAAGCCGAGTTCTACAACATCGGCCCGCTGATCCGC[A>C]TCATCAAAGACCGGATGGAAGAGAAGGACTACACGGTCACCCAGGTCGGGAGCAGGGGCA-3'
Protein context (NP_001269613.2, residues 106-126): EFYNIGPLIR[Ile116Leu]IKDRMEEKDY

ClinVar aggregate classification (germline): Uncertain significance (1 of 4 stars; one submission).

Conditions:
Myoclonic dystonia 26. Identifiers: MedGen C4225341, MONDO:0014620, OMIM 616398.

Allele frequency attached by ClinVar (database versions not stated): gnomAD 0.00002; gnomAD exomes below 0.00001; TOPMed below 0.00001; ExAC 0.00001.
gnomAD v4.1: 7 of 1,613,756 alleles (0.00043%); highest among the groups gnomAD compares: African/African-American, 0.0053%; no homozygotes.

Submission:

Labcorp Genetics (formerly Invitae), Labcorp
Classification: Uncertain significance for Myoclonic dystonia 26. Last evaluated: 2024-10-26. Review status: criteria provided, single submitter. Criteria: Invitae Variant Classification Sherloc (09022015). Collection method: clinical testing. Allele origin: germline.
Comment: This sequence change replaces isoleucine, which is neutral and non-polar, with leucine, which is neutral and non-polar, at codon 123 of the KCTD17 protein (p.Ile123Leu). This variant is not present in population databases (gnomAD no frequency). This variant has not been reported in the literature in individuals affected with KCTD17-related conditions. ClinVar contains an entry for this variant (Variation ID: 2062678). Invitae Evidence Modeling of protein sequence and biophysical properties (such as structural, functional, and spatial information, amino acid conservation, physicochemical variation, residue mobility, and thermodynamic stability) indicates that this missense variant is not expected to disrupt KCTD17 protein function with a negative predictive value of 80%. In summary, the available evidence is currently insufficient to determine the role of this variant in disease. Therefore, it has been classified as a Variant of Uncertain Significance.